The following is an entry in ClinVar:

NM_017636.4(TRPM4):c.2879C>T (p.Pro960Leu)

Gene: TRPM4 (transient receptor potential cation channel subfamily M member 4; plus strand). Cytogenetic location: 19q13.33.
Variant type: single nucleotide variant.
Coding change: c.2879C>T on transcript NM_017636.4 (MANE Select); coding-DNA position 2879, C replaced by T.
Protein change: p.Pro960Leu; replaces proline 960 with leucine.
Molecular consequence: missense variant.
Genome position (GRCh38, 1-based): chr19:49,200,711, C>T. VCF-style: chr19-49200711-C-T. GRCh37 (hg19) VCF-style: chr19-49703968-C-T.
Other names: c.2444C>T, p.Pro815Leu (NM_001195227.2); c.2534C>T, p.Pro845Leu (NM_001321281.2); c.1271C>T, p.Pro424Leu (NM_001321282.2); c.2357C>T, p.Pro786Leu (NM_001321283.2); c.1817C>T, p.Pro606Leu (NM_001321285.2); short protein forms P606L, P815L, P424L, P845L, P960L, P786L.
Identifiers: ClinVar variation 1509979 (VCV001509979.6), dbSNP rs2145969208, ClinGen allele CA406811996.

ClinVar aggregate classification (germline): Uncertain significance (1 of 4 stars; one submission).

Conditions:
Progressive familial heart block type IB (PFHB1B). Identifiers: Orphanet 871, MedGen C1970298, MONDO:0011474, OMIM 604559.

Submission:

Labcorp Genetics (formerly Invitae), Labcorp
Classification: Uncertain significance for Progressive familial heart block type IB. Last evaluated: 2022-07-06. Review status: criteria provided, single submitter. Criteria: Invitae Variant Classification Sherloc (09022015). Collection method: clinical testing. Allele origin: germline.
Comment: This sequence change replaces proline, which is neutral and non-polar, with leucine, which is neutral and non-polar, at codon 960 of the TRPM4 protein (p.Pro960Leu). This variant is not present in population databases (gnomAD no frequency). This variant has not been reported in the literature in individuals affected with TRPM4-related conditions. ClinVar contains an entry for this variant (Variation ID: 1509979). Algorithms developed to predict the effect of missense changes on protein structure and function output the following: SIFT: "Tolerated"; PolyPhen-2: "Benign"; Align-GVGD: "Class C0". The leucine amino acid residue is found in multiple mammalian species, which suggests that this missense change does not adversely affect protein function. In summary, the available evidence is currently insufficient to determine the role of this variant in disease. Therefore, it has been classified as a Variant of Uncertain Significance.